The following is an entry in ClinVar:

ClinVar aggregate classification (germline): Uncertain significance (1 of 4 stars; one submission).

Conditions:
Hereditary cancer-predisposing syndrome. Also called: Neoplastic Syndromes, Hereditary; Tumor predisposition; Hereditary Cancer Syndrome; Hereditary neoplastic syndrome. Identifiers: Orphanet 140162, MedGen C0027672, MeSH D009386, MONDO:0015356.

Submission:

Ambry Genetics
Classification: Uncertain significance for Hereditary cancer-predisposing syndrome. Last evaluated: 2026-05-21. Review status: criteria provided, single submitter. Criteria: Ambry Variant Classification Scheme 2023. Collection method: clinical testing. Allele origin: germline.
Comment: The p.D468G variant (also known as c.1403A>G), located in coding exon 15 of the CDC73 gene, results from an A to G substitution at nucleotide position 1403. The aspartic acid at codon 468 is replaced by glycine, an amino acid with similar properties. This amino acid position is conserved. In addition, this alteration is predicted to be deleterious by in silico analysis. Based on the available evidence, the clinical significance of this variant remains unclear.

NM_024529.5(CDC73):c.1403A>G (p.Asp468Gly)

Gene: CDC73 (cell division cycle 73; plus strand). Cytogenetic location: 1q31.2.
Variant type: single nucleotide variant.
Coding change: c.1403A>G on transcript NM_024529.5 (MANE Select); coding-DNA position 1403, A replaced by G.
Protein change: p.Asp468Gly; replaces aspartic acid 468 with glycine.
Molecular consequence: missense variant.
Genome position (GRCh38, 1-based): chr1:193,236,342, A>G. VCF-style: chr1-193236342-A-G. GRCh37 (hg19) VCF-style: chr1-193205472-A-G.
Other names: short protein forms D468G.
Identifiers: ClinVar variation 4868366 (VCV004868366.1).